The following is an entry in ClinVar:

ClinVar aggregate classification (germline): Likely pathogenic (1 of 4 stars; one submission).

Conditions:
Hereditary angioedema type 1 (HAE1). Identifiers: Orphanet 100050, Orphanet 100051, Orphanet 91378, MedGen C2717906, MONDO:0015053, OMIM 106100.

Submission:

Bioserve Biotechnologies India Pvt Ltd
Classification: Likely pathogenic for Hereditary angioedema type 1. Last evaluated: 2019-05-01. Review status: criteria provided, single submitter. Criteria: ACMG Guidelines, 2015. Collection method: clinical testing. Allele origin: germline. Inheritance: Autosomal dominant inheritance. Affected: yes. Observed: 2 variant alleles, 2 heterozygotes.
Comment: (1) The indel variant was absent in population databases (ExAC, 1000 Genomes Project, gnomAD, dbSNP); (2) the variant is located in protein domain with well classified pathogenic variants and lacks benign variants; (3) the indel mutation leads to deletion of amino acids (Glu, Thr, Asn and Met), and was deemed deleterious/damaging by various insilico variant affect predictors; (5) patient's phenotype is highly specific for the SERPING1 gene whose role is well established in HAE etiology.

NM_000062.3(SERPING1):c.491_502del (p.Glu164_Met167del)

Gene: SERPING1 (serpin family G member 1; plus strand). Cytogenetic location: 11q12.1.
Variant type: Deletion.
Coding change: c.491_502del on transcript NM_000062.3 (MANE Select); coding-DNA positions 491 to 502, 12 bases deleted (AGACCAACATGG).
Protein change: p.Glu164_Met167del.
Molecular consequence: inframe deletion.
Genome position (GRCh38, 1-based): chr11:57,600,318-57,600,329, AGACCAACATGG deleted; deleting any 12 consecutive bases within chr11:57,600,315-57,600,329 gives the same sequence; the c. name uses the placement nearest the transcript's 3' end. VCF-style (leftmost placement, unchanged base first): chr11-57600314-GTGGAGACCAACA-G. GRCh37 (hg19) VCF-style: chr11-57367787-GTGGAGACCAACA-G.
Other names: c.491_502del, p.Glu164_Met167del (NM_001032295.2); c.491_502delAGACCAACATGG (NM_000062.2).
Identifiers: ClinVar variation 633776 (VCV000633776.3), dbSNP rs1590822719, ClinGen allele CA915948103.
Genomic context (GRCh38, chr11:57,600,314, plus strand): 5'-GGGGATGCTTTGGTAGATTTCTCCCTGAAGCTCTACCACGCCTTCTCAGCAATGAAGAAG[GTGGAGACCAACA>G]TGGCCTTTTCCCCATTCAGCATCGCCAGCCTCCTTACCCAGGTCCTGCTCGGTAAGACCC-3'